The following is an entry in ClinVar:

NM_020458.4(TTC7A):c.841G>C (p.Val281Leu)

Gene: TTC7A (tetratricopeptide repeat domain 7A; plus strand). Cytogenetic location: 2p21.
Variant type: single nucleotide variant.
Coding change: c.841G>C on transcript NM_020458.4 (MANE Select); coding-DNA position 841, G replaced by C.
Protein change: p.Val281Leu; replaces valine 281 with leucine.
Molecular consequence: missense variant. On other transcripts: 5 prime UTR variant (1).
Genome position (GRCh38, 1-based): chr2:46,993,526, G>C. VCF-style: chr2-46993526-G-C. GRCh37 (hg19) VCF-style: chr2-47220665-G-C.
Other names: c.841G>C, p.Val281Leu (LRG_1323t1, NM_001288951.2); c.739G>C, p.Val247Leu (NM_001288953.2); c.-64G>C (NM_001288955.2); short protein forms V247L, V281L.
Identifiers: ClinVar variation 663977 (VCV000663977.10), dbSNP rs147514908, ClinGen allele CA46618773.

ClinVar aggregate classification (germline): Uncertain significance (1 of 4 stars; one submission).

Conditions:
Multiple gastrointestinal atresias. Also called: Multiple intestinal atresia; FAMILIAL INTESTINAL POLYATRESIA SYNDROME. Identifiers: Orphanet 2300, MedGen C0220744, MONDO:0009465.

Allele frequency attached by ClinVar (database versions not stated): gnomAD 0.00001; gnomAD exomes 0.00001 and 0.00005; TOPMed 0.00004; ESP Exome Variant Server 0.00008.
gnomAD v4.1: 76 of 1,614,018 alleles (0.0047%); highest among the groups gnomAD compares: Non-Finnish European, 0.0064%; no homozygotes.

Submission:

Labcorp Genetics (formerly Invitae), Labcorp
Classification: Uncertain significance for Multiple gastrointestinal atresias. Last evaluated: 2024-02-24. Review status: criteria provided, single submitter. Criteria: Invitae Variant Classification Sherloc (09022015). Collection method: clinical testing. Allele origin: germline.
Comment: This sequence change replaces valine, which is neutral and non-polar, with leucine, which is neutral and non-polar, at codon 281 of the TTC7A protein (p.Val281Leu). This variant is present in population databases (rs147514908, gnomAD 0.002%). This variant has not been reported in the literature in individuals affected with TTC7A-related conditions. ClinVar contains an entry for this variant (Variation ID: 663977). An algorithm developed to predict the effect of missense changes on protein structure and function (PolyPhen-2) suggests that this variant is likely to be tolerated. In summary, the available evidence is currently insufficient to determine the role of this variant in disease. Therefore, it has been classified as a Variant of Uncertain Significance.